The following is an entry in ClinVar:

ClinVar aggregate classification (germline): Likely benign (1 of 4 stars; one submission).

gnomAD v4.1: 2,807 of 1,609,202 alleles (0.17%); highest among the groups gnomAD compares: Admixed American, 0.23%; 7 homozygotes.

Submission:

CeGaT Center for Human Genetics Tuebingen
Classification: Likely benign. Last evaluated: 2026-08-01. Review status: criteria provided, single submitter. Criteria: CeGaT Center For Human Genetics Tuebingen Variant Classification Criteria Version 2. Collection method: clinical testing. Allele origin: germline. Affected: yes. Observed: 3 variant alleles.
Comment: HLA-DPA1: BP4, BP7

NM_033554.4(HLA-DPA1):c.135G>A (p.Gln45=)

Gene: HLA-DPA1 (major histocompatibility complex, class II, DP alpha 1; minus strand). Cytogenetic location: 6p21.32.
Variant type: single nucleotide variant.
Coding change: c.135G>A on transcript NM_033554.4 (MANE Select); coding-DNA position 135, G replaced by A.
Protein change: p.Gln45=; no amino-acid change (glutamine 45 retained).
Molecular consequence: synonymous variant.
Genome position (GRCh38, 1-based): chr6:33,069,852, C>T on the plus strand (G>A on the coding strand, the complement: HLA-DPA1 is on the minus strand). VCF-style: chr6-33069852-C-T. GRCh37 (hg19) VCF-style: chr6-33037629-C-T.
Other names: c.135G>A, p.Gln45= (NM_001242524.2, NM_001242525.2, NM_001405020.1).
Identifiers: ClinVar variation 4533643 (VCV004533643.6).